The following is an entry in ClinVar:

ClinVar aggregate classification (germline): Benign (1 of 4 stars; one submission).

Conditions:
Leigh syndrome (NULS). Also called: Leigh's necrotizing encephalopathy; Leigh's disease; Leigh's syndrome; LEIGH SYNDROME, NUCLEAR; Leigh Syndrome (mtDNA deletion); Leigh Disease. Identifiers: Orphanet 506, MedGen C2931891, MONDO:0009723, OMIM 256000.

Submission:

Wong Mito Lab, Molecular and Human Genetics, Baylor College of Medicine
Classification: Benign for Leigh syndrome. Last evaluated: 2019-10-17. Review status: criteria provided, single submitter. Criteria: Modified ACMG Guidelines (Unpublished). Collection method: clinical testing. Allele origin: germline.
Comment: The NC_012920.1:m.14750A>G (YP_003024038.1:p.Thr2Ala) variant in MTCYB gene is interpretated to be a Benign variant based on the modified ACMG guidelines (unpublished). This variant meets the following evidence codes: BS1, BS2, BP4

Literature cited by the submitters: PubMed 10329023.

NC_012920.1(MT-CYB):m.14750A>G

Gene: MT-CYB (mitochondrially encoded cytochrome b; plus strand).
Variant type: single nucleotide variant.
Genome position: chrM-14750-A-G.
Identifiers: ClinVar variation 693754 (VCV000693754.1), dbSNP rs1603224853, ClinGen allele CA913171986.